The following is an entry in ClinVar:

NM_014714.4(IFT140):c.406G>T (p.Gly136Cys)

Genes: IFT140 (intraflagellar transport 140; minus strand), LOC105371046 (uncharacterized LOC105371046; plus strand). Cytogenetic location: 16p13.3.
Variant type: single nucleotide variant.
Coding change: c.406G>T on transcript NM_014714.4 (MANE Select); coding-DNA position 406, G replaced by T.
Protein change: p.Gly136Cys; replaces glycine 136 with cysteine.
Molecular consequence: missense variant.
Genome position (GRCh38, 1-based): chr16:1,592,552, C>A on the plus strand (G>T on the coding strand, the complement: IFT140 is on the minus strand). VCF-style: chr16-1592552-C-A. GRCh37 (hg19) VCF-style: chr16-1642553-C-A.
Other names: short protein forms G136C.
Identifiers: ClinVar variation 1496540 (VCV001496540.6), dbSNP rs2035235540, ClinGen allele CA394221022.
Genomic context (GRCh38, chr16:1,592,552, plus strand): 5'-TGCAGTGCGTGAGGTGTTTCCCATACTCGTGTTTCAGCAGAGGCGTCCCTTGCACTCGGC[C>A]CCTTTGGTCCAACCTCCACAAGAGCAAGACACCAAGCTGGAAAGACCCAACACCACGTGT-3'
Protein context (NP_055529.2, residues 126-146): VLLLWRLDQR[Gly136Cys]RVQGTPLLKH

ClinVar aggregate classification (germline): Uncertain significance (1 of 4 stars; one submission).

Conditions:
Saldino-Mainzer syndrome (SRTD9). Also called: Renal dysplasia, retinal pigmentary dystrophy, cerebellar ataxia and skeletal dysplasia; CONORENAL SYNDROME; SHORT-RIB THORACIC DYSPLASIA 9 WITHOUT POLYDACTYLY; short-rib thoracic dysplasia 9 with or without polydactyly. Identifiers: Orphanet 140969, MedGen C1849437, MONDO:0009964, OMIM 266920.

Allele frequency attached by ClinVar (database versions not stated): TOPMed below 0.00001; gnomAD exomes 0.00001.
gnomAD v4.1: 15 of 1,614,234 alleles (0.00093%); highest among the groups gnomAD compares: Non-Finnish European, 0.00093%; no homozygotes.

Submission:

Labcorp Genetics (formerly Invitae), Labcorp
Classification: Uncertain significance for Saldino-Mainzer syndrome. Last evaluated: 2021-10-14. Review status: criteria provided, single submitter. Criteria: Invitae Variant Classification Sherloc (09022015). Collection method: clinical testing. Allele origin: germline.
Comment: This sequence change replaces glycine with cysteine at codon 136 of the IFT140 protein (p.Gly136Cys). The glycine residue is moderately conserved and there is a large physicochemical difference between glycine and cysteine. This variant is not present in population databases (ExAC no frequency). This variant has not been reported in the literature in individuals affected with IFT140-related conditions. Algorithms developed to predict the effect of missense changes on protein structure and function are either unavailable or do not agree on the potential impact of this missense change (SIFT: "Deleterious"; PolyPhen-2: "Probably Damaging"; Align-GVGD: "Class C0"). Algorithms developed to predict the effect of sequence changes on RNA splicing suggest that this variant may create or strengthen a splice site. In summary, the available evidence is currently insufficient to determine the role of this variant in disease. Therefore, it has been classified as a Variant of Uncertain Significance.